The following is an entry in ClinVar:

ClinVar aggregate classification (germline): Likely pathogenic (1 of 4 stars; one submission).

Conditions:
Cardiovascular phenotype. Identifiers: MedGen CN230736.
Hereditary cancer-predisposing syndrome. Also called: Neoplastic Syndromes, Hereditary; Tumor predisposition; Hereditary Cancer Syndrome; Hereditary neoplastic syndrome. Identifiers: Orphanet 140162, MedGen C0027672, MeSH D009386, MONDO:0015356.

gnomAD v4.1: 1 of 1,604,750 alleles (0.000062%); highest among the groups gnomAD compares: Non-Finnish European, 0.000085%; no homozygotes.

Submission:

Ambry Genetics
Classification: Likely pathogenic for Cardiovascular phenotype; Hereditary cancer-predisposing syndrome. Last evaluated: 2025-11-25. Review status: criteria provided, single submitter. Criteria: Ambry Variant Classification Scheme 2023. Collection method: clinical testing. Allele origin: germline.
Comment: The c.1942+2T>G intronic variant results from a T to G substitution two nucleotides after coding exon 16 in the LZTR1 gene. This nucleotide position is highly conserved in available vertebrate species. In silico splice site analysis predicts that this alteration will weaken the native splice donor site and may result in the creation or strengthening of a novel splice donor site. RNA studies have demonstrated that this alteration results in abnormal splicing in the set of samples tested (Ambry internal data). Other variant(s) impacting the same donor site (c.1942+1G>C) have been shown to have a similar impact on splicing in individual(s) with features consistent with LZTR1-related schwannomatosis (Ambry internal data). c.1942+2T>G is considered to be rare based on population cohorts in the Genome Aggregation Database (gnomAD). Loss-of-function variants in LZTR1 are related to an increased risk for schwannomas and autosomal recessive Noonan syndrome; however, such associations with autosomal dominant Noonan syndrome have not been observed (Piotrowski A et al. Nat Genet. 2014 Feb;46:182-7; Yamamoto GL et al. J Med Genet. 2015 Jun;52:413-21; Johnston JJ et al. Genet Med. 2018 10;20:1175-1185). Based on the supporting evidence, this variant is likely pathogenic for an increased risk of LZTR1-related schwannomatosis (SWN) and would be expected to cause autosomal recessive Noonan syndrome when present along with a second pathogenic or likely pathogenic variant on the other allele; however, the association of this alteration with autosomal dominant Noonan syndrome is unlikely.

NM_006767.4(LZTR1):c.1942+2T>G

Gene: LZTR1 (leucine zipper like post translational regulator 1; plus strand). Cytogenetic location: 22q11.21.
Variant type: single nucleotide variant.
Coding change: c.1942+2T>G on transcript NM_006767.4 (MANE Select); the canonical splice donor site of the intron after coding-DNA position 1942, T replaced by G.
Molecular consequence: splice donor variant.
Genome position (GRCh38, 1-based): chr22:20,995,028, T>G. VCF-style: chr22-20995028-T-G. GRCh37 (hg19) VCF-style: chr22-21349317-T-G.
Identifiers: ClinVar variation 4615659 (VCV004615659.1).